The following is an entry in ClinVar:

NM_001365951.3(KIF1B):c.401G>A (p.Cys134Tyr)

Genes: KIF1B (kinesin family member 1B; plus strand), LOC129388447 (MPRA-validated peak65 silencer; plus strand). Cytogenetic location: 1p36.22.
Variant type: single nucleotide variant.
Coding change: c.401G>A on transcript NM_001365951.3 (MANE Select); coding-DNA position 401, G replaced by A.
Protein change: p.Cys134Tyr; replaces cysteine 134 with tyrosine.
Molecular consequence: missense variant.
Genome position (GRCh38, 1-based): chr1:10,261,942, G>A. VCF-style: chr1-10261942-G-A. GRCh37 (hg19) VCF-style: chr1-10322000-G-A.
Other names: c.401G>A, p.Cys134Tyr (NM_001365952.1, NM_001365953.1, NM_015074.3 and 1 more transcripts); short protein forms C134Y.
Identifiers: ClinVar variation 1737097 (VCV001737097.2), dbSNP rs2520967559, ClinGen allele CA338327052.

ClinVar aggregate classification (germline): Uncertain significance (1 of 4 stars; one submission).

gnomAD v4.1: 1 of 1,611,980 alleles (0.000062%); no homozygotes.

Submission:

Ambry Genetics
Classification: Uncertain significance. Last evaluated: 2022-02-22. Review status: criteria provided, single submitter. Criteria: Ambry Variant Classification Scheme 2023. Collection method: clinical testing. Allele origin: germline.
Comment: The p.C134Y variant (also known as c.401G>A), located in coding exon 4 of the KIF1B gene, results from a G to A substitution at nucleotide position 401. The cysteine at codon 134 is replaced by tyrosine, an amino acid with highly dissimilar properties. This amino acid position is conserved. In addition, this alteration is predicted to be tolerated by in silico analysis. Since supporting evidence is limited at this time, the clinical significance of this alteration remains unclear.